The following is an entry in ClinVar:

NM_152296.5(ATP1A3):c.2689-3C>A

Gene: ATP1A3 (ATPase Na+/K+ transporting subunit alpha 3; minus strand). Cytogenetic location: 19q13.2.
Variant type: single nucleotide variant.
Coding change: c.2689-3C>A on transcript NM_152296.5 (MANE Select); 3 bases into the intron before coding-DNA position 2689, C replaced by A.
Molecular consequence: intron variant.
Genome position (GRCh38, 1-based): chr19:41,968,918, G>T on the plus strand (C>A on the coding strand, the complement: ATP1A3 is on the minus strand). VCF-style: chr19-41968918-G-T. GRCh37 (hg19) VCF-style: chr19-42473070-G-T.
Other names: c.2728-3C>A (NM_001256214.2); c.2722-3C>A (NM_001256213.2).
Identifiers: ClinVar variation 391390 (VCV000391390.2), dbSNP rs1057524066, ClinGen allele CA16607845.

ClinVar aggregate classification (germline): Uncertain significance (1 of 4 stars; one submission).

Submission:

GeneDx
Classification: Uncertain significance. Last evaluated: 2016-12-21. Review status: criteria provided, single submitter. Criteria: GeneDx Variant Classification (06012015). Collection method: clinical testing. Allele origin: germline. Affected: yes.
Comment: The c.2689-3C>A variant in the ATP1A3 gene has not been reported previously as a pathogenic variant, nor as a benign variant, to our knowledge. This variant is predicted to destroy the natural splice acceptor site in intron 19, and is expected to cause abnormal gene splicing. However, in the absence of RNA/functional studies, the actual effect of c.2689-3C>A in this individual is unknown. The c.2689-3C>A variant was not observed in approximately 6,500 individuals of European and African American ancestry in the NHLBI Exome Sequencing Project, indicating it is not a common benign variant in these populations. We interpret c.2689-3C>A as a variant of uncertain significance.